The following is an entry in ClinVar:

ClinVar aggregate classification (germline): Uncertain significance (1 of 4 stars; one submission).

Conditions:
Oligodontia-cancer predisposition syndrome. Also called: TOOTH AGENESIS-COLORECTAL CANCER SYNDROME. Identifiers: Orphanet 300576, MedGen C1837750, MONDO:0012075, OMIM 608615. Disease mechanism: loss of function.

Submission:

Labcorp Genetics (formerly Invitae), Labcorp
Classification: Uncertain significance for Oligodontia-cancer predisposition syndrome. Last evaluated: 2024-01-25. Review status: criteria provided, single submitter. Criteria: Invitae Variant Classification Sherloc (09022015). Collection method: clinical testing. Allele origin: germline.
Comment: This sequence change replaces arginine, which is basic and polar, with tryptophan, which is neutral and slightly polar, at codon 615 of the AXIN2 protein (p.Arg615Trp). This variant is not present in population databases (gnomAD no frequency). This variant has not been reported in the literature in individuals affected with AXIN2-related conditions. ClinVar contains an entry for this variant (Variation ID: 2199167). Advanced modeling of protein sequence and biophysical properties (such as structural, functional, and spatial information, amino acid conservation, physicochemical variation, residue mobility, and thermodynamic stability) performed at Invitae indicates that this missense variant is expected to disrupt AXIN2 protein function with a positive predictive value of 80%. In summary, the available evidence is currently insufficient to determine the role of this variant in disease. Therefore, it has been classified as a Variant of Uncertain Significance.

NM_004655.4(AXIN2):c.1843A>T (p.Arg615Trp)

Gene: AXIN2 (axin 2; minus strand). Cytogenetic location: 17q24.1.
Variant type: single nucleotide variant.
Coding change: c.1843A>T on transcript NM_004655.4 (MANE Select); coding-DNA position 1843, A replaced by T.
Protein change: p.Arg615Trp; replaces arginine 615 with tryptophan.
Molecular consequence: missense variant. On other transcripts: intron variant (1).
Genome position (GRCh38, 1-based): chr17:65,536,933, T>A on the plus strand (A>T on the coding strand, the complement: AXIN2 is on the minus strand). VCF-style: chr17-65536933-T-A. GRCh37 (hg19) VCF-style: chr17-63533051-T-A.
Other names: c.1713-380A>T (NM_001363813.1); short protein forms R615W.
Identifiers: ClinVar variation 2199167 (VCV002199167.4), dbSNP rs2043932825, ClinGen allele CA400676515.